The following is an entry in ClinVar:

NM_006129.5(BMP1):c.262+1G>A

Gene: BMP1 (bone morphogenetic protein 1; plus strand). Cytogenetic location: 8p21.3.
Variant type: single nucleotide variant.
Coding change: c.262+1G>A on transcript NM_006129.5 (MANE Select); the canonical splice donor site of the intron after coding-DNA position 262, G replaced by A.
Molecular consequence: splice donor variant.
Genome position (GRCh38, 1-based): chr8:22,173,716, G>A. VCF-style: chr8-22173716-G-A. GRCh37 (hg19) VCF-style: chr8-22031229-G-A.
Other names: c.262+1G>A (NM_001199.4).
Identifiers: ClinVar variation 2877482 (VCV002877482.3), dbSNP rs2538972305, ClinGen allele CA370540931.
Genomic context (GRCh38, chr8:22,173,716, plus strand): 5'-TACAGCAGGCTGTGGATCTCAGACGGCACACAGCTCGTAAGTCCTCCATCAAAGCTGCAG[G>A]TAAGCCGGGTGCCAATGGGCCCTCTGTGTCCTAGAAATGGGTTCCAGGCTTAGGGAAACA-3'

ClinVar aggregate classification (germline): Likely pathogenic (1 of 4 stars; one submission).

Submission:

Labcorp Genetics (formerly Invitae), Labcorp
Classification: Likely pathogenic. Last evaluated: 2024-01-05. Review status: criteria provided, single submitter. Criteria: Invitae Variant Classification Sherloc (09022015). Collection method: clinical testing. Allele origin: germline.
Comment: This sequence change affects a donor splice site in intron 2 of the BMP1 gene. It is expected to disrupt RNA splicing. Variants that disrupt the donor or acceptor splice site typically lead to a loss of protein function (PMID: 16199547), and loss-of-function variants in BMP1 are known to be pathogenic (PMID: 25656619, 27576954, 28257626). This variant is not present in population databases (gnomAD no frequency). This variant has not been reported in the literature in individuals affected with BMP1-related conditions. Algorithms developed to predict the effect of sequence changes on RNA splicing suggest that this variant may disrupt the consensus splice site. In summary, the currently available evidence indicates that the variant is pathogenic, but additional data are needed to prove that conclusively. Therefore, this variant has been classified as Likely Pathogenic.

Literature cited by the submitters: PubMed 16199547; PubMed 25656619; PubMed 27576954; PubMed 28257626.